The following is an entry in ClinVar:

NM_001330288.2(SMARCC2):c.107A>G (p.Lys36Arg)

Genes: SMARCC2 (SWI/SNF related BAF chromatin remodeling complex subunit C2; minus strand), LOC130008058 (ATAC-STARR-seq lymphoblastoid silent region 4548; plus strand). Cytogenetic location: 12q13.2.
Variant type: single nucleotide variant.
Coding change: c.107A>G on transcript NM_001330288.2 (MANE Select); coding-DNA position 107, A replaced by G.
Protein change: p.Lys36Arg; replaces lysine 36 with arginine.
Molecular consequence: missense variant.
Genome position (GRCh38, 1-based): chr12:56,189,355, T>C on the plus strand (A>G on the coding strand, the complement: SMARCC2 is on the minus strand). VCF-style: chr12-56189355-T-C. GRCh37 (hg19) VCF-style: chr12-56583139-T-C.
Other names: c.107A>G, p.Lys36Arg (NM_001130420.3, NM_003075.5, NM_139067.4); short protein forms K36R.
Identifiers: ClinVar variation 4074457 (VCV004074457.1).
Genomic context (GRCh38, chr12:56,189,355, plus strand): 5'-CCGCGGTCCCTTTGTCCCGCCCCCGGTCCCCGCGCGGCCCGGCCCGGCCCGCGTACCTTC[T>C]TGTAGTTCTTGCCGAGCCACAGCCGCACGTTGTCGAACTGGGTCACGGTGTCCGCGGCCT-3'
Protein context (NP_001317217.1, residues 26-46): NVRLWLGKNY[Lys36Arg]KYIQAEPPTN

ClinVar aggregate classification (germline): Uncertain significance (1 of 4 stars; one submission).

gnomAD v4.1: 2 of 1,517,662 alleles (0.00013%); highest among the groups gnomAD compares: Admixed American, 0.0019%; no homozygotes.

Submission:

GeneDx
Classification: Uncertain significance. Last evaluated: 2025-02-03. Review status: criteria provided, single submitter. Criteria: GeneDx Variant Classification Process June 2021. Collection method: clinical testing. Allele origin: germline. Affected: yes.
Comment: Not observed at significant frequency in large population cohorts (gnomAD); In silico analysis indicates that this missense variant does not alter protein structure/function; Has not been previously published as pathogenic or benign to our knowledge